The following is an entry in ClinVar:

NM_006517.5(SLC16A2):c.532G>T (p.Ala178Ser)

Gene: SLC16A2 (solute carrier family 16 member 2; plus strand). Cytogenetic location: Xq13.2.
Variant type: single nucleotide variant.
Coding change: c.532G>T on transcript NM_006517.5 (MANE Select); coding-DNA position 532, G replaced by T.
Protein change: p.Ala178Ser; replaces alanine 178 with serine.
Molecular consequence: missense variant.
Genome position (GRCh38, 1-based): chrX:74,521,091, G>T. VCF-style: chrX-74521091-G-T. GRCh37 (hg19) VCF-style: chrX-73740926-G-T.
Other names: short protein forms A178S.
Identifiers: ClinVar variation 1969914 (VCV001969914.5), dbSNP rs777840527, ClinGen allele CA10454418.

ClinVar aggregate classification (germline): Uncertain significance (1 of 4 stars; one submission).

Conditions:
Spastic paraplegia. Identifiers: MedGen C0037772, HP:0001258.

Allele frequency attached by ClinVar (database versions not stated): TOPMed 0.00001; ExAC 0.00001; gnomAD 0.00001.
gnomAD v4.1: 1 of 1,210,257 alleles (0.000083%); highest among the groups gnomAD compares: African/African-American, 0.0017%; no homozygotes.

Submission:

Labcorp Genetics (formerly Invitae), Labcorp
Classification: Uncertain significance for Spastic paraplegia. Last evaluated: 2025-04-14. Review status: criteria provided, single submitter. Criteria: Invitae Variant Classification Sherloc (09022015). Collection method: clinical testing. Allele origin: germline.
Comment: This sequence change replaces alanine, which is neutral and non-polar, with serine, which is neutral and polar, at codon 178 of the SLC16A2 protein (p.Ala178Ser). This variant is present in population databases (rs777840527, gnomAD 0.008%). This variant has not been reported in the literature in individuals affected with SLC16A2-related conditions. ClinVar contains an entry for this variant (Variation ID: 1969914). Invitae Evidence Modeling of protein sequence and biophysical properties (such as structural, functional, and spatial information, amino acid conservation, physicochemical variation, residue mobility, and thermodynamic stability) has been performed for this missense variant. However, the output from this modeling did not meet the statistical confidence thresholds required to predict the impact of this variant on SLC16A2 protein function. In summary, the available evidence is currently insufficient to determine the role of this variant in disease. Therefore, it has been classified as a Variant of Uncertain Significance.